The following is an entry in ClinVar:

NM_025137.4(SPG11):c.6867G>T (p.Gln2289His)

Gene: SPG11 (SPG11 vesicle trafficking associated, spatacsin; minus strand). Cytogenetic location: 15q21.1.
Variant type: single nucleotide variant.
Coding change: c.6867G>T on transcript NM_025137.4 (MANE Select); coding-DNA position 6867, G replaced by T.
Protein change: p.Gln2289His; replaces glutamine 2289 with histidine.
Molecular consequence: missense variant.
Genome position (GRCh38, 1-based): chr15:44,565,986, C>A on the plus strand (G>T on the coding strand, the complement: SPG11 is on the minus strand). VCF-style: chr15-44565986-C-A. GRCh37 (hg19) VCF-style: chr15-44858184-C-A.
Other names: c.6528G>T, p.Gln2176His (NM_001160227.2); c.6723G>T, p.Gln2241His (NM_001411132.1); short protein forms Q2176H, Q2289H, Q2241H.
Identifiers: ClinVar variation 1979465 (VCV001979465.2), dbSNP rs762598343, ClinGen allele CA392213387.

ClinVar aggregate classification (germline): Uncertain significance (1 of 4 stars; one submission).

Conditions:
Hereditary spastic paraplegia 11. Also called: Spastic paraplegia, mental retardation and thin corpus callosum; SPASTIC PARAPLEGIA, AUTOSOMAL RECESSIVE, WITH MENTAL IMPAIRMENT AND THIN CORPUS CALLOSUM; Spastic Paraplegia 11; Nakamura Osame syndrome; Autosomal recessive hereditary spastic paraplegia, mental impairment, and thin corpus callosum; SPASTIC PARAPLEGIA, AUTOSOMAL RECESSIVE, COMPLICATED, WITH THIN CORPUS CALLOSUM. Identifiers: Orphanet 2822, MedGen C1858479, MONDO:0011445, OMIM 604360.

gnomAD v4.1: 1 of 1,613,858 alleles (0.000062%); highest among the groups gnomAD compares: Admixed American, 0.0017%; no homozygotes.

Submission:

Labcorp Genetics (formerly Invitae), Labcorp
Classification: Uncertain significance for Hereditary spastic paraplegia 11. Last evaluated: 2022-08-03. Review status: criteria provided, single submitter. Criteria: Invitae Variant Classification Sherloc (09022015). Collection method: clinical testing. Allele origin: germline.
Comment: In summary, the available evidence is currently insufficient to determine the role of this variant in disease. Therefore, it has been classified as a Variant of Uncertain Significance. Algorithms developed to predict the effect of missense changes on protein structure and function are either unavailable or do not agree on the potential impact of this missense change (SIFT: "Deleterious"; PolyPhen-2: "Benign"; Align-GVGD: "Class C0"). This variant has not been reported in the literature in individuals affected with SPG11-related conditions. This variant is not present in population databases (gnomAD no frequency). This sequence change replaces glutamine, which is neutral and polar, with histidine, which is basic and polar, at codon 2289 of the SPG11 protein (p.Gln2289His).